The following is an entry in ClinVar:

NM_020738.4(KIDINS220):c.3012-6078T>C

Gene: KIDINS220 (kinase D interacting substrate 220; minus strand). Cytogenetic location: 2p25.1.
Variant type: single nucleotide variant.
Coding change: c.3012-6078T>C on transcript NM_020738.4 (MANE Select); 6078 bases into the intron before coding-DNA position 3012, T replaced by C.
Molecular consequence: intron variant. On other transcripts: missense variant (1).
Genome position (GRCh38, 1-based): chr2:8,757,722, A>G on the plus strand (T>C on the coding strand, the complement: KIDINS220 is on the minus strand). VCF-style: chr2-8757722-A-G. GRCh37 (hg19) VCF-style: chr2-8897852-A-G.
Other names: c.3080T>C, p.Met1027Thr (NM_001348745.2); c.3012-6078T>C (NM_001348741.2, NM_001348738.2, NM_001348742.2 and 3 more transcripts); c.3015-6078T>C (NM_001348739.2, NM_001348740.2, NM_001348734.2 and 2 more transcripts); c.2886-6078T>C (NM_001348736.2); short protein forms M1027T.
Identifiers: ClinVar variation 3345176 (VCV003345176.1).

ClinVar aggregate classification (germline): Uncertain significance (0 of 4 stars; one submission).

Conditions:
KIDINS220-related disorder. Also called: KIDINS220-related condition.

gnomAD v4.1: 2 of 1,612,470 alleles (0.00012%); highest among the groups gnomAD compares: Non-Finnish European, 0.00017%; no homozygotes.

Submission:

PreventionGenetics, part of Exact Sciences
Classification: Uncertain significance for KIDINS220-related condition. Last evaluated: 2024-09-19. Review status: no assertion criteria provided. Collection method: clinical testing. Allele origin: germline.
Comment: The KIDINS220 c.3080T>C variant is predicted to result in the amino acid substitution p.Met1027Thr. To our knowledge, this variant has not been reported in the literature or in a large population database, indicating this variant is rare. At this time, the clinical significance of this variant is uncertain due to the absence of conclusive functional and genetic evidence.